The following is an entry in ClinVar:

NM_004431.5(EPHA2):c.410G>A (p.Arg137His)

Gene: EPHA2 (EPH receptor A2; minus strand). Cytogenetic location: 1p36.13.
Variant type: single nucleotide variant.
Coding change: c.410G>A on transcript NM_004431.5 (MANE Select); coding-DNA position 410, G replaced by A.
Protein change: p.Arg137His; replaces arginine 137 with histidine.
Molecular consequence: missense variant.
Genome position (GRCh38, 1-based): chr1:16,148,791, C>T on the plus strand (G>A on the coding strand, the complement: EPHA2 is on the minus strand). VCF-style: chr1-16148791-C-T. GRCh37 (hg19) VCF-style: chr1-16475286-C-T.
Other names: c.248G>A, p.Arg83His (NM_001329090.2); short protein forms R137H, R83H.
Identifiers: ClinVar variation 1978014 (VCV001978014.5), dbSNP rs775739772, ClinGen allele CA625530.

ClinVar aggregate classification (germline): Uncertain significance (1 of 4 stars; one submission).

Conditions:
Cataract 6 multiple types. Also called: CATARACT 6, POSTERIOR POLAR; CATARACT 6, CONGENITAL TOTAL; CATARACT, AGE-RELATED CORTICAL, 2. Identifiers: Orphanet 91492, MedGen C1861825, MONDO:0007288, OMIM 116600.

Allele frequency attached by ClinVar (database versions not stated): TOPMed 0.00003; gnomAD 0.00004; ExAC 0.00008.
gnomAD v4.1: 56 of 1,614,104 alleles (0.0035%); highest among the groups gnomAD compares: Admixed American, 0.032%; no homozygotes.

Submission:

Labcorp Genetics (formerly Invitae), Labcorp
Classification: Uncertain significance for Cataract 6 multiple types. Last evaluated: 2024-12-09. Review status: criteria provided, single submitter. Criteria: Invitae Variant Classification Sherloc (09022015). Collection method: clinical testing. Allele origin: germline.
Comment: This sequence change replaces arginine, which is basic and polar, with histidine, which is basic and polar, at codon 137 of the EPHA2 protein (p.Arg137His). This variant is present in population databases (rs775739772, gnomAD 0.05%). This variant has not been reported in the literature in individuals affected with EPHA2-related conditions. ClinVar contains an entry for this variant (Variation ID: 1978014). Invitae Evidence Modeling of protein sequence and biophysical properties (such as structural, functional, and spatial information, amino acid conservation, physicochemical variation, residue mobility, and thermodynamic stability) indicates that this missense variant is not expected to disrupt EPHA2 protein function with a negative predictive value of 80%. In summary, the available evidence is currently insufficient to determine the role of this variant in disease. Therefore, it has been classified as a Variant of Uncertain Significance.